The following is an entry in ClinVar:

NM_000342.4(SLC4A1):c.1058dup (p.Pro354fs)

Gene: SLC4A1 (solute carrier family 4 member 1 (Diego blood group); minus strand). Cytogenetic location: 17q21.31.
Variant type: Duplication.
Coding change: c.1058dup on transcript NM_000342.4 (MANE Select); coding-DNA position 1058, one base duplicated (A; older notation c.1058dupA).
Protein change: p.Pro354fs; shifts the reading frame from proline 354.
Molecular consequence: frameshift variant.
Genome position (GRCh38, 1-based): chr17:44,258,442, T duplicated on the plus strand (A on the coding strand, the reverse complement: SLC4A1 is on the minus strand); the first of 2 consecutive T bases (chr17:44,258,442-44,258,443); duplicating either gives the same sequence. VCF-style (leftmost placement, unchanged base first): chr17-44258441-C-CT. GRCh37 (hg19) VCF-style: chr17-42335809-C-CT.
Other names: short protein forms P354fs.
Identifiers: ClinVar variation 1162818 (VCV001162818.5), dbSNP rs2144615077, ClinGen allele CA2499224660.

ClinVar aggregate classification (germline): Likely pathogenic (1 of 4 stars; one submission).

Submission:

Mayo Clinic Laboratories, Mayo Clinic
Classification: Likely pathogenic. Last evaluated: 2020-01-24. Review status: criteria provided, single submitter. Criteria: ACMG Guidelines, 2015. Collection method: clinical testing. Allele origin: germline. Observed: 1 variant allele.
Comment: PVS1, PM2